The following is an entry in ClinVar:

ClinVar aggregate classification (germline): Uncertain significance. Review status: criteria provided, multiple submitters, no conflicts (2 of 4 stars). 2 submissions from 2 submitters: Uncertain significance (2). Last evaluated 2023-12-02.

Conditions:
Hypertrophic cardiomyopathy 26. Also called: Cardiomyopathy, familial hypertrophic, 26. Identifiers: Orphanet 75249, MedGen C4310749, MONDO:0014883, OMIM 617047.
Myofibrillar myopathy 5. Also called: FILAMINOPATHY, AUTOSOMAL DOMINANT; Filaminopathy (type). Identifiers: Orphanet 171445, MedGen C1836050, MONDO:0012289, OMIM 609524.
Distal myopathy with posterior leg and anterior hand involvement. Also called: WILLIAMS DISTAL MYOPATHY. Identifiers: Orphanet 63273, MedGen C3279722, MONDO:0013550, OMIM 614065.

Allele frequency attached by ClinVar (database versions not stated): gnomAD exomes below 0.00001; ExAC 0.00001.
gnomAD v4.1: 1 of 1,613,310 alleles (0.000062%); highest among the groups gnomAD compares: Non-Finnish European, 0.000085%; no homozygotes.

Submissions (2):

Labcorp Genetics (formerly Invitae), Labcorp
Classification: Uncertain significance for Distal myopathy with posterior leg and anterior hand involvement; Myofibrillar myopathy 5; Hypertrophic cardiomyopathy 26. Last evaluated: 2023-12-02. Review status: criteria provided, single submitter. Criteria: Invitae Variant Classification Sherloc (09022015). Collection method: clinical testing. Allele origin: germline.
Comment: This sequence change replaces valine, which is neutral and non-polar, with methionine, which is neutral and non-polar, at codon 195 of the FLNC protein (p.Val195Met). This variant is present in population databases (rs770955703, gnomAD 0.0009%). This variant has not been reported in the literature in individuals affected with FLNC-related conditions. ClinVar contains an entry for this variant (Variation ID: 1305524). Advanced modeling of protein sequence and biophysical properties (such as structural, functional, and spatial information, amino acid conservation, physicochemical variation, residue mobility, and thermodynamic stability) has been performed at Invitae for this missense variant, however the output from this modeling did not meet the statistical confidence thresholds required to predict the impact of this variant on FLNC protein function. In summary, the available evidence is currently insufficient to determine the role of this variant in disease. Therefore, it has been classified as a Variant of Uncertain Significance.

GeneDx
Classification: Uncertain significance. Last evaluated: 2021-02-10. Review status: criteria provided, single submitter. Criteria: GeneDx Variant Classification Process June 2021. Collection method: clinical testing. Allele origin: germline. Affected: yes.
Comment: Not observed at a significant frequency in large population cohorts (Lek et al., 2016); In silico analysis, which includes protein predictors and evolutionary conservation, supports a deleterious effect; Has not been previously published as pathogenic or benign to our knowledge

NM_001458.5(FLNC):c.583G>A (p.Val195Met)

Gene: FLNC (filamin C; plus strand). Cytogenetic location: 7q32.1.
Variant type: single nucleotide variant.
Coding change: c.583G>A on transcript NM_001458.5 (MANE Select); coding-DNA position 583, G replaced by A.
Protein change: p.Val195Met; replaces valine 195 with methionine.
Molecular consequence: missense variant.
Genome position (GRCh38, 1-based): chr7:128,835,556, G>A. VCF-style: chr7-128835556-G-A. GRCh37 (hg19) VCF-style: chr7-128475610-G-A.
Other names: c.583G>A, p.Val195Met (NM_001127487.2); short protein forms V195M.
Identifiers: ClinVar variation 1305524 (VCV001305524.9), dbSNP rs770955703, ClinGen allele CA4474055.